The following is an entry in ClinVar:

NM_144999.4(LRRC45):c.584_585del (p.Cys195fs)

Gene: LRRC45 (leucine rich repeat containing 45; plus strand). Cytogenetic location: 17q25.3.
Variant type: Deletion.
Coding change: c.584_585del on transcript NM_144999.4 (MANE Select); coding-DNA positions 584 to 585, 2 bases deleted (GT; older notation c.584_585delGT).
Protein change: p.Cys195fs; shifts the reading frame from cysteine 195.
Molecular consequence: frameshift variant.
Genome position (GRCh38, 1-based): chr17:82,025,430-82,025,431, GT deleted; deleting any 2 consecutive bases within chr17:82,025,429-82,025,431 gives the same sequence; the c. name uses the placement nearest the transcript's 3' end. VCF-style (leftmost placement, unchanged base first): chr17-82025428-CTG-C. GRCh37 (hg19) VCF-style: chr17-79983304-CTG-C.
Other names: short protein forms C195fs.
Identifiers: ClinVar variation 4997567 (VCV004997567.1).

ClinVar aggregate classification (germline): Uncertain significance (1 of 4 stars; one submission).

Conditions:
LRRC45-related disorder. Also called: LRRC45-related condition.

Submission:

PreventionGenetics, part of Exact Sciences
Classification: Uncertain significance for LRRC45-related condition. Last evaluated: 2025-01-24. Review status: criteria provided, single submitter. Criteria: ACMG Guidelines, 2015. Collection method: clinical testing. Allele origin: germline.
Comment: The LRRC45 c.584_585delGT variant is predicted to result in a frameshift and premature protein termination (p.Cys195Serfs*72). To our knowledge, this variant has not been reported in the literature. This variant is reported in 0.00090% of alleles in individuals of European (Non-Finnish) descent in gnomAD. At this time, the clinical significance of this variant is uncertain due to the absence of conclusive functional and genetic evidence.